The following is an entry in ClinVar:

ClinVar aggregate classification (germline): Uncertain significance. Review status: criteria provided, multiple submitters, no conflicts (2 of 4 stars). 2 submissions from 2 submitters: Uncertain significance (2). Last evaluated 2025-05-01.

gnomAD v4.1: 2 of 1,614,160 alleles (0.00012%); highest among the groups gnomAD compares: Non-Finnish European, 0.00017%; no homozygotes.

Submissions (2):

CeGaT Center for Human Genetics Tuebingen
Classification: Uncertain significance. Last evaluated: 2025-05-01. Review status: criteria provided, single submitter. Criteria: CeGaT Center For Human Genetics Tuebingen Variant Classification Criteria Version 2. Collection method: clinical testing. Allele origin: germline. Affected: yes. Observed: 1 variant allele.
Comment: WWOX: PM1, PM2, PP3

Blueprint Genetics
Classification: Uncertain significance. Last evaluated: 2024-03-08. Review status: criteria provided, single submitter. Criteria: ACMG Guidelines, 2015. Collection method: clinical testing. Allele origin: germline.

NM_016373.4(WWOX):c.254A>G (p.Tyr85Cys)

Gene: WWOX (WW domain containing oxidoreductase; plus strand). Cytogenetic location: 16q23.1.
Variant type: single nucleotide variant.
Coding change: c.254A>G on transcript NM_016373.4 (MANE Select); coding-DNA position 254, A replaced by G.
Protein change: p.Tyr85Cys; replaces tyrosine 85 with cysteine.
Molecular consequence: missense variant. On other transcripts: 5 prime UTR variant (1), non-coding transcript variant (1).
Genome position (GRCh38, 1-based): chr16:78,114,999, A>G. VCF-style: chr16-78114999-A-G. GRCh37 (hg19) VCF-style: chr16-78148896-A-G.
Other names: c.-86A>G (NM_001291997.2); c.254A>G, p.Tyr85Cys (NM_130791.5); short protein forms Y85C.
Identifiers: ClinVar variation 3905988 (VCV003905988.11).
Genomic context (GRCh38, chr16:78,114,999, plus strand): 5'-TCATTGCTGTGGGTTCACTGCTTTCTCTTTTGGGCAGCCATATAAATAAAAGAACCACCT[A>G]CTTGGACCCAAGACTGGCGTTTACTGTGGATGATAATCCGACCAAGCCAACCACCCGGCA-3'
Protein context (NP_057457.1, residues 75-95): FVDHINKRTT[Tyr85Cys]LDPRLAFTVD